The following is an entry in ClinVar:

ClinVar aggregate classification (germline): Pathogenic. Review status: criteria provided, multiple submitters, no conflicts (2 of 4 stars). 2 submissions from 2 submitters: Pathogenic (2). Last evaluated 2022-09-27.

Conditions:
Ataxia-telangiectasia syndrome (AT). Also called: LOUIS-BAR SYNDROME; Cerebello-oculocutaneous telangiectasia; Immunodeficiency with ataxia telangiectasia; Ataxia-telangiectasia, complementation group D; AT, COMPLEMENTATION GROUP C; ATAXIA-TELANGIECTASIA, COMPLEMENTATION GROUP A. Identifiers: Orphanet 100, MedGen C0004135, MONDO:0008840, OMIM 208900.
Hereditary cancer-predisposing syndrome. Also called: Tumor predisposition; Neoplastic Syndromes, Hereditary; Hereditary Cancer Syndrome; Hereditary neoplastic syndrome. Identifiers: Orphanet 140162, MedGen C0027672, MeSH D009386, MONDO:0015356.

Submissions (2):

Labcorp Genetics (formerly Invitae), Labcorp
Classification: Pathogenic for Ataxia-telangiectasia syndrome. Last evaluated: 2022-09-27. Review status: criteria provided, single submitter. Criteria: Invitae Variant Classification Sherloc (09022015). Collection method: clinical testing. Allele origin: germline.
Comment: For these reasons, this variant has been classified as Pathogenic. This variant has not been reported in the literature in individuals affected with ATM-related conditions. This variant is not present in population databases (gnomAD no frequency). This sequence change creates a premature translational stop signal (p.His636Thrfs*13) in the ATM gene. It is expected to result in an absent or disrupted protein product. Loss-of-function variants in ATM are known to be pathogenic (PMID: 23807571, 25614872).

Ambry Genetics
Classification: Pathogenic for Hereditary cancer-predisposing syndrome. Last evaluated: 2019-12-10. Review status: criteria provided, single submitter. Criteria: Ambry Variant Classification Scheme 2023. Collection method: clinical testing. Allele origin: germline.
Comment: The c.1906delC pathogenic mutation, located in coding exon 12 of the ATM gene, results from a deletion of one nucleotide at nucleotide position 1906, causing a translational frameshift with a predicted alternate stop codon (p.H636Tfs*13). This alteration is expected to result in loss of function by premature protein truncation or nonsense-mediated mRNA decay. As such, this alteration is interpreted as a disease-causing mutation.

Literature cited by the submitters: PubMed 23807571 (cited by Labcorp Genetics (formerly Invitae), Labcorp); PubMed 25614872 (cited by Labcorp Genetics (formerly Invitae), Labcorp).

NM_000051.4(ATM):c.1906del (p.His636fs)

Gene: ATM (ATM serine/threonine kinase; plus strand). Cytogenetic location: 11q22.3.
Variant type: Deletion.
Coding change: c.1906del on transcript NM_000051.4 (MANE Select); coding-DNA position 1906, one base deleted (C; older notation c.1906delC).
Protein change: p.His636fs; shifts the reading frame from histidine 636.
Molecular consequence: frameshift variant.
Genome position (GRCh38, 1-based): chr11:108,253,821, C deleted; the last of 2 consecutive C bases (chr11:108,253,820-108,253,821); deleting either gives the same sequence. VCF-style (leftmost placement, unchanged base first): chr11-108253819-AC-A. GRCh37 (hg19) VCF-style: chr11-108124546-AC-A.
Other names: c.1906del, p.His636fs (NM_001351834.2); short protein forms H636fs.
Identifiers: ClinVar variation 1782396 (VCV001782396.7), dbSNP rs2497308850, ClinGen allele CA2580083814.
Genomic context (GRCh38, chr11:108,253,819, plus strand): 5'-TAAGGCAAAGCATTAGGTACTTGGTTTATATATTAAAGATCTTACTTTCTTGAAGTGAAC[AC>A]CACCAAAAAGATAAAGAAGAACTTTCATTCTCAGAAGTAGAAGAACTATTTCTTCAGACA-3'